The following is an entry in ClinVar:

ClinVar aggregate classification (germline): Benign/Likely benign. Review status: criteria provided, multiple submitters, no conflicts (2 of 4 stars). 5 submissions from 5 submitters: Benign (1); Likely benign (4). Last evaluated 2026-01-26.

Conditions:
Bethlem myopathy 1A. Also called: Bethlem myopathy 1; Bethlem Muscular Dystrophy; MYOPATHY, BENIGN CONGENITAL, WITH CONTRACTURES. Identifiers: Orphanet 610, MedGen CN029274, MONDO:0024530, OMIM 158810.

Allele frequency attached by ClinVar (database versions not stated): gnomAD exomes 0.00013 and 0.00033; ExAC 0.00086; 1000 Genomes Project 0.00120; gnomAD 0.00133 and 0.00140; ESP Exome Variant Server 0.00134; 1000 Genomes Project 30x 0.00141; TOPMed 0.00162.
gnomAD v4.1: 406 of 1,556,414 alleles (0.026%); highest among the groups gnomAD compares: African/African-American, 0.45%; 5 homozygotes.

Submissions (5):

Labcorp Genetics (formerly Invitae), Labcorp
Classification: Benign for Bethlem myopathy 1A. Last evaluated: 2026-01-26. Review status: criteria provided, single submitter. Criteria: Invitae Variant Classification Sherloc (09022015). Collection method: clinical testing. Allele origin: germline.

Blueprint Genetics
Classification: Likely benign. Last evaluated: 2024-11-25. Review status: criteria provided, single submitter. Criteria: ACMG Guidelines, 2015. Collection method: clinical testing. Allele origin: germline.

CeGaT Center for Human Genetics Tuebingen
Classification: Likely benign. Last evaluated: 2024-06-01. Review status: criteria provided, single submitter. Criteria: CeGaT Center For Human Genetics Tuebingen Variant Classification Criteria Version 2. Collection method: clinical testing. Allele origin: germline. Affected: yes. Observed: 1 variant allele.
Comment: COL6A1: BP4, BP7

GeneDx
Classification: Likely benign. Last evaluated: 2020-12-07. Review status: criteria provided, single submitter. Criteria: GeneDx Variant Classification Process June 2021. Collection method: clinical testing. Allele origin: germline. Affected: yes.

Eurofins Ntd Llc (ga)
Classification: Likely benign. Last evaluated: 2017-01-08. Review status: criteria provided, single submitter. Criteria: EGL Classification Definitions 2015. Collection method: clinical testing. Allele origin: germline. Observed: 4 variant alleles, 4 heterozygotes.

NM_001848.3(COL6A1):c.1644C>T (p.Asp548=)

Gene: COL6A1 (collagen type VI alpha 1 chain; plus strand). Cytogenetic location: 21q22.3.
Variant type: single nucleotide variant.
Coding change: c.1644C>T on transcript NM_001848.3 (MANE Select); coding-DNA position 1644, C replaced by T.
Protein change: p.Asp548=; no amino-acid change (aspartic acid 548 retained).
Molecular consequence: synonymous variant.
Genome position (GRCh38, 1-based): chr21:45,998,929, C>T. VCF-style: chr21-45998929-C-T. GRCh37 (hg19) VCF-style: chr21-47418843-C-T.
Identifiers: ClinVar variation 284833 (VCV000284833.34), dbSNP rs182425338, ClinGen allele CA10070459.